The following is an entry in ClinVar:

ClinVar aggregate classification (germline): Likely benign. Review status: criteria provided, multiple submitters, no conflicts (2 of 4 stars). 3 submissions from 3 submitters: Likely benign (2). 1 of the submissions does not count toward it. Last evaluated 2024-10-11.

Conditions:
Meckel-Gruber syndrome. Also called: DYSENCEPHALIA SPLANCHNOCYSTICA; Dysencephalia splachnocystica; GRUBER SYNDROME. Identifiers: Orphanet 564, MedGen C0265215, MONDO:0018921.
Joubert syndrome. Also called: Familial aplasia of the vermis; JOUBERT-BOLTSHAUSER SYNDROME. Identifiers: Orphanet 475, MedGen C5979921, MONDO:0018772.
Nephronophthisis. Also called: Juvenile Nephronophthisis. Identifiers: Orphanet 655, MedGen C0687120, MONDO:0019005, HP:0000090.
Leber congenital amaurosis (LCA). Also called: Leber's amaurosis. Identifiers: Orphanet 65, MedGen C0339527, MeSH D057130, MONDO:0018998.
CEP290-related disorder. Also called: CEP290-related condition; CEP290-related disorders. Identifiers: MedGen CN239314.

Allele frequency attached by ClinVar (database versions not stated): TOPMed below 0.00001; gnomAD 0.00013; 1000 Genomes Project 30x 0.00016; 1000 Genomes Project 0.00020.
gnomAD v4.1: 89 of 1,556,266 alleles (0.0057%); highest among the groups gnomAD compares: Non-Finnish European, 0.00043%; no homozygotes.

Submissions (3):

PreventionGenetics, part of Exact Sciences
Classification: Likely benign for CEP290-related condition. Last evaluated: 2024-10-11. Review status: criteria provided, single submitter. Criteria: ACMG Guidelines, 2015. Collection method: clinical testing. Allele origin: germline.
Comment: This variant is classified as likely benign based on ACMG/AMP sequence variant interpretation guidelines (Richards et al. 2015 PMID: 25741868, with internal and published modifications).

Labcorp Genetics (formerly Invitae), Labcorp
Classification: Likely benign for Joubert syndrome; Meckel-Gruber syndrome; Nephronophthisis. Last evaluated: 2023-05-15. Review status: criteria provided, single submitter. Criteria: Invitae Variant Classification Sherloc (09022015). Collection method: clinical testing. Allele origin: germline.

Natera, Inc.
Classification: Uncertain significance for Leber congenital amaurosis. Last evaluated: 2025-02-26. Review status: no assertion criteria provided. Collection method: clinical testing. Allele origin: germline. Not counted in ClinVar's aggregate classification.

NM_025114.4(CEP290):c.6876C>T (p.Ser2292=)

Gene: CEP290 (centrosomal protein 290; minus strand). Cytogenetic location: 12q21.32.
Variant type: single nucleotide variant.
Coding change: c.6876C>T on transcript NM_025114.4 (MANE Select); coding-DNA position 6876, C replaced by T.
Protein change: p.Ser2292=; no amino-acid change (serine 2292 retained).
Molecular consequence: synonymous variant.
Genome position (GRCh38, 1-based): chr12:88,055,660, G>A on the plus strand (C>T on the coding strand, the complement: CEP290 is on the minus strand). VCF-style: chr12-88055660-G-A. GRCh37 (hg19) VCF-style: chr12-88449437-G-A.
Other names: c.6876C>T (NM_025114.3).
Identifiers: ClinVar variation 1098953 (VCV001098953.11), dbSNP rs538590274, ClinGen allele CA6711410.